The following is an entry in ClinVar:

ClinVar aggregate classification (germline): Likely benign. Review status: criteria provided, multiple submitters, no conflicts (2 of 4 stars). 2 submissions from 2 submitters: Likely benign (2). Last evaluated 2025-09-01.

Conditions:
Glycogen storage disease due to muscle beta-enolase deficiency (GSD13). Also called: ENOLASE 3 DEFICIENCY; ENOLASE-BETA DEFICIENCY; GSD XIII; Glycogen Storage Disease Type XIII. Identifiers: Orphanet 99849, MedGen C2752027, MONDO:0013046, OMIM 612932.

gnomAD v4.1: 31 of 1,614,196 alleles (0.0019%); highest among the groups gnomAD compares: African/African-American, 0.028%; no homozygotes.

Submissions (2):

CeGaT Center for Human Genetics Tuebingen
Classification: Likely benign. Last evaluated: 2025-09-01. Review status: criteria provided, single submitter. Criteria: CeGaT Center For Human Genetics Tuebingen Variant Classification Criteria Version 2. Collection method: clinical testing. Allele origin: germline. Affected: yes. Observed: 1 variant allele.
Comment: ENO3: BP4, BP7

Labcorp Genetics (formerly Invitae), Labcorp
Classification: Likely benign for Glycogen storage disease due to muscle beta-enolase deficiency. Last evaluated: 2025-04-11. Review status: criteria provided, single submitter. Criteria: Invitae Variant Classification Sherloc (09022015). Collection method: clinical testing. Allele origin: germline.

NM_053013.4(ENO3):c.402C>T (p.Ile134=)

Gene: ENO3 (enolase 3; plus strand). Cytogenetic location: 17p13.2.
Variant type: single nucleotide variant.
Coding change: c.402C>T on transcript NM_053013.4 (MANE Select); coding-DNA position 402, C replaced by T.
Protein change: p.Ile134=; no amino-acid change (isoleucine 134 retained).
Molecular consequence: synonymous variant.
Genome position (GRCh38, 1-based): chr17:4,953,803, C>T. VCF-style: chr17-4953803-C-T. GRCh37 (hg19) VCF-style: chr17-4857098-C-T.
Other names: c.273C>T, p.Ile91= (NM_001193503.2); c.402C>T, p.Ile134= (NM_001374523.1, NM_001976.5); c.429C>T, p.Ile143= (NM_001374524.1).
Identifiers: ClinVar variation 3660817 (VCV003660817.10).